The following is an entry in ClinVar:

ClinVar aggregate classification (germline): Uncertain significance. Review status: criteria provided, multiple submitters, no conflicts (2 of 4 stars). 2 submissions from 2 submitters: Uncertain significance (2). Last evaluated 2025-11-09.

Conditions:
Hereditary cancer-predisposing syndrome. Also called: Hereditary Cancer Syndrome; Tumor predisposition; Hereditary neoplastic syndrome; Neoplastic Syndromes, Hereditary. Identifiers: Orphanet 140162, MedGen C0027672, MeSH D009386, MONDO:0015356.
EGFR-related lung cancer (EGFR). Identifiers: MedGen CN130014.

Allele frequency attached by ClinVar (database versions not stated): gnomAD exomes 0.00001; ExAC 0.00002.
gnomAD v4.1: 10 of 1,613,354 alleles (0.00062%); highest among the groups gnomAD compares: African/African-American, 0.0013%; no homozygotes.

Submissions (2):

Labcorp Genetics (formerly Invitae), Labcorp
Classification: Uncertain significance for EGFR-related lung cancer. Last evaluated: 2025-11-09. Review status: criteria provided, single submitter. Criteria: Invitae Variant Classification Sherloc (09022015). Collection method: clinical testing. Allele origin: germline.
Comment: This sequence change replaces arginine, which is basic and polar, with cysteine, which is neutral and slightly polar, at codon 671 of the EGFR protein (p.Arg671Cys). This variant is present in population databases (rs770193776, gnomAD 0.002%). This variant has not been reported in the literature in individuals affected with EGFR-related conditions. ClinVar contains an entry for this variant (Variation ID: 1046364). Invitae Evidence Modeling of protein sequence and biophysical properties (such as structural, functional, and spatial information, amino acid conservation, physicochemical variation, residue mobility, and thermodynamic stability) indicates that this missense variant is not expected to disrupt EGFR protein function with a negative predictive value of 80%. In summary, the available evidence is currently insufficient to determine the role of this variant in disease. Therefore, it has been classified as a Variant of Uncertain Significance.

Ambry Genetics
Classification: Uncertain significance for Hereditary cancer-predisposing syndrome. Last evaluated: 2024-12-30. Review status: criteria provided, single submitter. Criteria: Ambry Variant Classification Scheme 2023. Collection method: clinical testing. Allele origin: germline.
Comment: The p.R671C variant (also known as c.2011C>T), located in coding exon 17 of the EGFR gene, results from a C to T substitution at nucleotide position 2011. The arginine at codon 671 is replaced by cysteine, an amino acid with highly dissimilar properties. This amino acid position is highly conserved in available vertebrate species. In addition, the in silico prediction for this alteration is inconclusive. Based on the available evidence, the clinical significance of this variant remains unclear.

NM_005228.5(EGFR):c.2011C>T (p.Arg671Cys)

Gene: EGFR (epidermal growth factor receptor; plus strand). Cytogenetic location: 7p11.2.
Variant type: single nucleotide variant.
Coding change: c.2011C>T on transcript NM_005228.5 (MANE Select); coding-DNA position 2011, C replaced by T.
Protein change: p.Arg671Cys; replaces arginine 671 with cysteine.
Molecular consequence: missense variant.
Genome position (GRCh38, 1-based): chr7:55,173,074, C>T. VCF-style: chr7-55173074-C-T. GRCh37 (hg19) VCF-style: chr7-55240767-C-T.
Other names: c.1876C>T, p.Arg626Cys (NM_001346897.2, NM_001346899.2); c.2011C>T, p.Arg671Cys (NM_001346898.2); c.1852C>T, p.Arg618Cys (NM_001346900.2); c.2011C>T (NM_005228.3); c.1210C>T, p.Arg404Cys (NM_001346941.2); short protein forms R404C, R618C, R626C, R671C.
Identifiers: ClinVar variation 1046364 (VCV001046364.9), dbSNP rs770193776, ClinGen allele CA4265938.